The following is an entry in ClinVar:

ClinVar aggregate classification (germline): Uncertain significance. Review status: criteria provided, multiple submitters, no conflicts (2 of 4 stars). 2 submissions from 2 submitters: Uncertain significance (2). Last evaluated 2025-05-05.

Conditions:
Inborn genetic diseases. Identifiers: MedGen C0950123, MeSH D030342.

Allele frequency attached by ClinVar (database versions not stated): gnomAD 0.00001; ESP Exome Variant Server 0.00008; TOPMed 0.00001; gnomAD exomes 0.00002.
gnomAD v4.1: 26 of 1,614,070 alleles (0.0016%); highest among the groups gnomAD compares: Non-Finnish European, 0.0022%; no homozygotes.

Submissions (2):

Ambry Genetics
Classification: Uncertain significance for Inborn genetic diseases. Last evaluated: 2025-05-05. Review status: criteria provided, single submitter. Criteria: Ambry Variant Classification Scheme 2023. Collection method: clinical testing. Allele origin: germline.

Labcorp Genetics (formerly Invitae), Labcorp
Classification: Uncertain significance. Last evaluated: 2022-10-25. Review status: criteria provided, single submitter. Criteria: Invitae Variant Classification Sherloc (09022015). Collection method: clinical testing. Allele origin: germline.
Comment: In summary, the available evidence is currently insufficient to determine the role of this variant in disease. Therefore, it has been classified as a Variant of Uncertain Significance. This sequence change replaces methionine, which is neutral and non-polar, with threonine, which is neutral and polar, at codon 758 of the ORC1 protein (p.Met758Thr). This variant is present in population databases (rs146343223, gnomAD 0.002%). This variant has not been reported in the literature in individuals affected with ORC1-related conditions. Advanced modeling of protein sequence and biophysical properties (such as structural, functional, and spatial information, amino acid conservation, physicochemical variation, residue mobility, and thermodynamic stability) performed at Invitae indicates that this missense variant is expected to disrupt ORC1 protein function.

NM_004153.4(ORC1):c.2273T>C (p.Met758Thr)

Gene: ORC1 (origin recognition complex subunit 1; minus strand). Cytogenetic location: 1p32.3.
Variant type: single nucleotide variant.
Coding change: c.2273T>C on transcript NM_004153.4 (MANE Select); coding-DNA position 2273, T replaced by C.
Protein change: p.Met758Thr; replaces methionine 758 with threonine.
Molecular consequence: missense variant.
Genome position (GRCh38, 1-based): chr1:52,375,460, A>G on the plus strand (T>C on the coding strand, the complement: ORC1 is on the minus strand). VCF-style: chr1-52375460-A-G. GRCh37 (hg19) VCF-style: chr1-52841132-A-G.
Other names: c.2273T>C (NM_004153.3); c.2273T>C, p.Met758Thr (NM_001190818.2); c.2258T>C, p.Met753Thr (NM_001190819.2); short protein forms M753T, M758T.
Identifiers: ClinVar variation 2888410 (VCV002888410.4), dbSNP rs146343223, ClinGen allele CA22502337.